The following is an entry in ClinVar:

ClinVar aggregate classification (germline): Conflicting classifications of pathogenicity. Review status: criteria provided, conflicting classifications (1 of 4 stars). 2 submissions from 2 submitters: Uncertain significance (1); Likely benign (1). Last evaluated 2022-10-10.

Allele frequency attached by ClinVar (database versions not stated): gnomAD 0.00001; TOPMed 0.00001; gnomAD exomes 0.00002; ExAC 0.00003.

Submissions (2):

Labcorp Genetics (formerly Invitae), Labcorp
Classification: Uncertain significance. Last evaluated: 2022-10-10. Review status: criteria provided, single submitter. Criteria: Invitae Variant Classification Sherloc (09022015). Collection method: clinical testing. Allele origin: germline.
Comment: ClinVar contains an entry for this variant (Variation ID: 1413563). In summary, the available evidence is currently insufficient to determine the role of this variant in disease. Therefore, it has been classified as a Variant of Uncertain Significance. Algorithms developed to predict the effect of missense changes on protein structure and function are either unavailable or do not agree on the potential impact of this missense change (SIFT: "Not Available"; PolyPhen-2: "Probably Damaging"; Align-GVGD: "Not Available"). This variant has not been reported in the literature in individuals affected with GUCA1A-related conditions. This variant is present in population databases (rs200223954, gnomAD 0.05%). This sequence change replaces arginine, which is basic and polar, with cysteine, which is neutral and slightly polar, at codon 93 of the GUCA1A protein (p.Arg93Cys).

Blueprint Genetics
Classification: Likely benign. Last evaluated: 2022-08-29. Review status: criteria provided, single submitter. Criteria: ACMG Guidelines, 2015. Collection method: clinical testing. Allele origin: germline.

NM_001384910.1(GUCA1A):c.277C>T (p.Arg93Cys)

Genes: GUCA1A (guanylate cyclase activator 1A; plus strand), GUCA1ANB-GUCA1A (GUCA1ANB-GUCA1A readthrough; plus strand). Cytogenetic location: 6p21.1.
Variant type: single nucleotide variant.
Coding change: c.277C>T on transcript NM_001384910.1 (MANE Select); coding-DNA position 277, C replaced by T.
Protein change: p.Arg93Cys; replaces arginine 93 with cysteine.
Molecular consequence: missense variant.
Genome position (GRCh38, 1-based): chr6:42,178,355, C>T. VCF-style: chr6-42178355-C-T. GRCh37 (hg19) VCF-style: chr6-42146093-C-T.
Other names: c.277C>T, p.Arg93Cys (NM_000409.5, NM_001319061.2, NM_001319062.2); short protein forms R93C.
Identifiers: ClinVar variation 1413563 (VCV001413563.7), dbSNP rs200223954, ClinGen allele CA3805335.